The following is an entry in ClinVar:

NM_144687.4(NLRP12):c.3179G>T (p.Gly1060Val)

Gene: NLRP12 (NLR family pyrin domain containing 12; minus strand). Cytogenetic location: 19q13.42.
Variant type: single nucleotide variant.
Coding change: c.3179G>T on transcript NM_144687.4 (MANE Select); coding-DNA position 3179, G replaced by T.
Protein change: p.Gly1060Val; replaces glycine 1060 with valine.
Molecular consequence: missense variant.
Genome position (GRCh38, 1-based): chr19:53,794,056, C>A on the plus strand (G>T on the coding strand, the complement: NLRP12 is on the minus strand). VCF-style: chr19-53794056-C-A. GRCh37 (hg19) VCF-style: chr19-54297310-C-A.
Other names: c.3182G>T, p.Gly1061Val (NM_001277126.2); c.3008G>T, p.Gly1003Val (NM_001277129.1); short protein forms G1003V, G1060V, G1061V.
Identifiers: ClinVar variation 4056672 (VCV004056672.1).

ClinVar aggregate classification (germline): Uncertain significance (1 of 4 stars; one submission).

Conditions:
Familial cold autoinflammatory syndrome 2 (FCAS2). Identifiers: Orphanet 247868, MedGen C2673198, MONDO:0012724, OMIM 611762.

Submission:

Laboratorio de Genetica e Diagnostico Molecular, Hospital Israelita Albert Einstein
Classification: Uncertain significance for Familial cold autoinflammatory syndrome 2. Last evaluated: 2024-10-11. Review status: criteria provided, single submitter. Criteria: ACMG Guidelines, 2015. Collection method: clinical testing. Allele origin: germline. Affected: yes.
Comment: ACMG classification criteria: PM2 supporting